The following is an entry in ClinVar:

NM_024514.5(CYP2R1):c.651T>C (p.Asn217=)

Genes: PDE3B (phosphodiesterase 3B; plus strand), CYP2R1 (cytochrome P450 family 2 subfamily R member 1; minus strand). Cytogenetic location: 11p15.2.
Variant type: single nucleotide variant.
Coding change: c.651T>C on transcript NM_024514.5 (MANE Select); coding-DNA position 651, T replaced by C.
Protein change: p.Asn217=; no amino-acid change (asparagine 217 retained).
Molecular consequence: synonymous variant.
Genome position (GRCh38, 1-based): chr11:14,880,485, A>G on the plus strand (T>C on the coding strand, the complement: CYP2R1 is on the minus strand). VCF-style: chr11-14880485-A-G. GRCh37 (hg19) VCF-style: chr11-14902031-A-G.
Other names: p.Asn217=; c.306T>C, p.Asn102= (NM_001377214.1, NM_001377215.1, NM_001377216.1 and 1 more transcripts); c.489T>C, p.Asn163= (NM_001377217.1).
Identifiers: ClinVar variation 711063 (VCV000711063.14), dbSNP rs111576400, ClinGen allele CA5896650.

ClinVar aggregate classification (germline): Benign/Likely benign. Review status: criteria provided, multiple submitters, no conflicts (2 of 4 stars). 4 submissions from 4 submitters: Benign (3); Likely benign (1). Last evaluated 2025-12-25.

Conditions:
Vitamin D hydroxylation-deficient rickets, type 1B. Also called: PSEUDOVITAMIN D3 DEFICIENCY RICKETS DUE TO 25-HYDROXYLASE DEFICIENCY; VITAMIN D-DEPENDENT RICKETS, TYPE 1B; Rickets due to Defect in Vitamin D 25-hydroxylation. Identifiers: Orphanet 289157, MedGen C1838657, MONDO:0010810, OMIM 600081.

Allele frequency attached by ClinVar (database versions not stated): gnomAD exomes 0.00103 and 0.00223; ExAC 0.00278; gnomAD 0.00746 and 0.00790; ESP Exome Variant Server 0.00824; TOPMed 0.00841; 1000 Genomes Project 0.00879; 1000 Genomes Project 30x 0.00890.
gnomAD v4.1: 2,719 of 1,613,472 alleles (0.17%); highest among the groups gnomAD compares: African/African-American, 2.5%; 29 homozygotes.

Submissions (4):

Labcorp Genetics (formerly Invitae), Labcorp
Classification: Benign. Last evaluated: 2025-12-25. Review status: criteria provided, single submitter. Criteria: Invitae Variant Classification Sherloc (09022015). Collection method: clinical testing. Allele origin: germline.

Mayo Clinic Laboratories, Mayo Clinic
Classification: Benign. Last evaluated: 2025-09-30. Review status: criteria provided, single submitter. Criteria: ACMG Guidelines, 2015. Collection method: clinical testing. Allele origin: germline. Observed: 2 variant alleles.
Comment: BS1, BS2, BP4, BP7

Fulgent Genetics
Classification: Likely benign for Vitamin D hydroxylation-deficient rickets, type 1B. Last evaluated: 2021-07-23. Review status: criteria provided, single submitter. Criteria: ACMG Guidelines, 2015. Collection method: clinical testing. Allele origin: unknown.

Breakthrough Genomics
Classification: Benign. Review status: criteria provided, single submitter. Criteria: ACMG Guidelines, 2015. Collection method: not provided. Allele origin: germline. Inheritance: Autosomal recessive inheritance. Affected: yes.